The following is an entry in ClinVar:

NM_000097.7(CPOX):c.219G>C (p.Trp73Cys)

Genes: CPOX (coproporphyrinogen oxidase; minus strand), LOC129937121 (ATAC-STARR-seq lymphoblastoid silent region 14560; plus strand). Cytogenetic location: 3q11.2.
Variant type: single nucleotide variant.
Coding change: c.219G>C on transcript NM_000097.7 (MANE Select); coding-DNA position 219, G replaced by C.
Protein change: p.Trp73Cys; replaces tryptophan 73 with cysteine.
Molecular consequence: missense variant.
Genome position (GRCh38, 1-based): chr3:98,593,286, C>G on the plus strand (G>C on the coding strand, the complement: CPOX is on the minus strand). VCF-style: chr3-98593286-C-G. GRCh37 (hg19) VCF-style: chr3-98312130-C-G.
Other names: short protein forms W73C.
Identifiers: ClinVar variation 3609130 (VCV003609130.2).

ClinVar aggregate classification (germline): Uncertain significance (1 of 4 stars; one submission).

gnomAD v4.1: 159 of 1,455,658 alleles (0.011%); highest among the groups gnomAD compares: Non-Finnish European, 0.014%; no homozygotes.

Submission:

Labcorp Genetics (formerly Invitae), Labcorp
Classification: Uncertain significance. Last evaluated: 2024-11-19. Review status: criteria provided, single submitter. Criteria: Invitae Variant Classification Sherloc (09022015). Collection method: clinical testing. Allele origin: germline.
Comment: This sequence change replaces tryptophan, which is neutral and slightly polar, with cysteine, which is neutral and slightly polar, at codon 73 of the CPOX protein (p.Trp73Cys). This variant is present in population databases (rs750999992, gnomAD 0.01%). This missense change has been observed in individual(s) with coproporphyria and/or CPOX-related conditions (PMID: 30385147; internal data). An algorithm developed to predict the effect of missense changes on protein structure and function (PolyPhen-2) suggests that this variant is likely to be tolerated. In summary, the available evidence is currently insufficient to determine the role of this variant in disease. Therefore, it has been classified as a Variant of Uncertain Significance.

Literature cited by the submitters: PubMed 30385147.